The following is an entry in ClinVar:

ClinVar aggregate classification (germline): Pathogenic. Review status: criteria provided, multiple submitters, no conflicts (2 of 4 stars). 4 submissions from 4 submitters: Pathogenic (2). 2 of the submissions do not count toward it. Last evaluated 2024-09-22.

Conditions:
Mowat-Wilson syndrome (MOWS). Also called: Classic Mowat-Wilson Syndrome. Identifiers: Orphanet 2152, MedGen C1856113, MONDO:0009341, OMIM 235730.

Submissions (4):

Victorian Clinical Genetics Services, Murdoch Childrens Research Institute
Classification: Pathogenic for Mowat-Wilson syndrome. Last evaluated: 2024-09-22. Review status: criteria provided, single submitter. Criteria: ACMG Guidelines, 2015. Collection method: clinical testing. Allele origin: germline. Inheritance: Autosomal dominant inheritance. Affected: yes.
Comment: Based on the classification scheme VCGS_Germline_v1.3.4, this variant is classified as Pathogenic. Following criteria are met: 0102 - Loss of function is a known mechanism of disease in this gene and is associated with Mowat-Wilson syndrome (MIM#235730). (I) 0107 - This gene is associated with autosomal dominant disease. (I) 0201 - Variant is predicted to cause nonsense-mediated decay (NMD) and loss of protein (premature termination codon is located at least 54 nucleotides upstream of the final exon-exon junction). (SP) 0251 - This variant is heterozygous. (I) 0301 - Variant is absent from gnomAD (both v2 and v3). (SP) 0701 - Other NMD-predicted variants comparable to the one identified in this case have very strong previous evidence for pathogenicity. Many NMD-predicted variants have previously been reported as pathogenic in patients with Mowat-Wilson syndrome (ClinVar). (SP) 0801 - This variant has strong previous evidence of pathogenicity in unrelated individuals. This variant has been reported in at least three individuals, two of whom are confirmed de novo with Mowat-Wilson syndrome (Clinvar, PMIDs: 30083364, 36406119). (SP) Legend: (SP) - Supporting pathogenic, (I) - Information, (SB) - Supporting benign

Labcorp Genetics (formerly Invitae), Labcorp
Classification: Pathogenic for Mowat-Wilson syndrome. Last evaluated: 2024-06-29. Review status: criteria provided, single submitter. Criteria: Invitae Variant Classification Sherloc (09022015). Collection method: clinical testing. Allele origin: germline.
Comment: This sequence change creates a premature translational stop signal (p.Ser726Tyrfs*7) in the ZEB2 gene. It is expected to result in an absent or disrupted protein product. Loss-of-function variants in ZEB2 are known to be pathogenic (PMID: 16053902). This variant is not present in population databases (gnomAD no frequency). This premature translational stop signal has been observed in individual(s) with ZEB2-related conditions (PMID: 30083364, 31178897). ClinVar contains an entry for this variant (Variation ID: 189288). For these reasons, this variant has been classified as Pathogenic.

Molecular Genetics Laboratory, Children's Mercy Hospital and Clinics
Classification: Pathogenic for Mowat-Wilson syndrome. Last evaluated: 2015-03-02. Review status: no assertion criteria provided. Collection method: clinical testing. Allele origin: unknown. Affected: yes. Not counted in ClinVar's aggregate classification.

Biochemistry Laboratory of CDMU, Chengde Medical University
Classification: Pathogenic for Mowat-Wilson syndrome. Review status: no assertion criteria provided. Criteria: ACMG Guidelines, 2015. Collection method: case-control. Allele origin: de novo. Affected: yes. Not counted in ClinVar's aggregate classification.

Literature cited by the submitters: PubMed 30083364 (cited by Victorian Clinical Genetics Services, Murdoch Childrens Research Institute and Labcorp Genetics (formerly Invitae), Labcorp); PubMed 36406119 (cited by Victorian Clinical Genetics Services, Murdoch Childrens Research Institute); PubMed 16053902 (cited by Labcorp Genetics (formerly Invitae), Labcorp); PubMed 31178897 (cited by Labcorp Genetics (formerly Invitae), Labcorp).

NM_014795.4(ZEB2):c.2177_2180del (p.Ser726fs)

Gene: ZEB2 (zinc finger E-box binding homeobox 2; minus strand). Cytogenetic location: 2q22.3.
Variant type: Deletion.
Coding change: c.2177_2180del on transcript NM_014795.4 (MANE Select); coding-DNA positions 2177 to 2180, 4 bases deleted (CTTT; older notation c.2177_2180delCTTT).
Protein change: p.Ser726fs; shifts the reading frame from serine 726.
Molecular consequence: frameshift variant.
Genome position (GRCh38, 1-based): chr2:144,399,007-144,399,010, AAAG deleted on the plus strand (CTTT on the coding strand, the reverse complement: ZEB2 is on the minus strand); deleting any 4 consecutive bases within chr2:144,399,007-144,399,011 gives the same sequence; the c. name uses the placement nearest the transcript's 3' end. VCF-style (leftmost placement, unchanged base first): chr2-144399006-TAAAG-T. GRCh37 (hg19) VCF-style: chr2-145156573-TAAAG-T.
Other names: c.2105_2108del, p.Ser702fs (NM_001171653.2); short protein forms S726fs, S702fs.
Identifiers: ClinVar variation 189288 (VCV000189288.7), dbSNP rs786204821, ClinGen allele CA274530.